The following is an entry in ClinVar:

ClinVar aggregate classification (germline): Uncertain significance. Review status: criteria provided, multiple submitters, no conflicts (2 of 4 stars). 2 submissions from 2 submitters: Uncertain significance (2). Last evaluated 2025-04-25.

gnomAD v4.1: 63 of 1,613,230 alleles (0.0039%); highest among the groups gnomAD compares: Non-Finnish European, 0.0052%; no homozygotes.

Submissions (2):

GeneDx
Classification: Uncertain significance. Last evaluated: 2025-04-25. Review status: criteria provided, single submitter. Criteria: GeneDx Variant Classification Process June 2021. Collection method: clinical testing. Allele origin: germline. Affected: yes.
Comment: Not observed at significant frequency in large population cohorts (gnomAD); In silico analysis supports that this missense variant has a deleterious effect on protein structure/function; Has not been previously published as pathogenic or benign to our knowledge

Blueprint Genetics
Classification: Uncertain significance. Last evaluated: 2020-12-29. Review status: criteria provided, single submitter. Criteria: ACMG Guidelines, 2015. Collection method: clinical testing. Allele origin: germline.

NM_025215.6(PUS1):c.698A>G (p.Asn233Ser)

Gene: PUS1 (pseudouridine synthase 1; plus strand). Cytogenetic location: 12q24.33.
Variant type: single nucleotide variant.
Coding change: c.698A>G on transcript NM_025215.6 (MANE Select); coding-DNA position 698, A replaced by G.
Protein change: p.Asn233Ser; replaces asparagine 233 with serine.
Molecular consequence: missense variant.
Genome position (GRCh38, 1-based): chr12:131,941,445, A>G. VCF-style: chr12-131941445-A-G. GRCh37 (hg19) VCF-style: chr12-132425990-A-G.
Other names: c.614A>G, p.Asn205Ser (NM_001002019.3, NM_001002020.3); short protein forms N205S, N233S.
Identifiers: ClinVar variation 4526984 (VCV004526984.2).
Genomic context (GRCh38, chr12:131,941,445, plus strand): 5'-AGGACCGGGACGTTCAGGATGAGACCTACCGCCTGAGCGCCGAGACGCTGCAGCAGGTCA[A>G]CAGGCTCCTGGCCTGCTACAAGGGCACGCACAACTTCCACAATTTCACCTCGCAGAAGGG-3'
Protein context (NP_079491.2, residues 223-243): RLSAETLQQV[Asn233Ser]RLLACYKGTH